The following is an entry in ClinVar:

ClinVar aggregate classification (germline): Uncertain significance (1 of 4 stars; one submission).

Conditions:
CFAP418-related disorder. Also called: CFAP418-related condition.

gnomAD v4.1: 4 of 1,614,084 alleles (0.00025%); highest among the groups gnomAD compares: Non-Finnish European, 0.00034%; no homozygotes.

Submission:

PreventionGenetics, part of Exact Sciences
Classification: Uncertain significance for CFAP418-related condition. Last evaluated: 2025-07-15. Review status: criteria provided, single submitter. Criteria: ACMG Guidelines, 2015. Collection method: clinical testing. Allele origin: germline.
Comment: The CFAP418 c.74G>T variant is predicted to result in the amino acid substitution p.Gly25Val. To our knowledge, this variant has not been reported in the literature. This variant is reported in 0.0026% of alleles in individuals of European (Non-Finnish) descent in gnomAD. At this time, the clinical significance of this variant is uncertain due to the absence of conclusive functional and genetic evidence.

NM_177965.4(CFAP418):c.74G>T (p.Gly25Val)

Genes: CFAP418 (cilia and flagella associated protein 418; minus strand), CFAP418-AS1 (CFAP418 antisense RNA 1; plus strand), LOC130000784 (ATAC-STARR-seq lymphoblastoid active region 27655; plus strand). Cytogenetic location: 8q22.1.
Variant type: single nucleotide variant.
Coding change: c.74G>T on transcript NM_177965.4 (MANE Select); coding-DNA position 74, G replaced by T.
Protein change: p.Gly25Val; replaces glycine 25 with valine.
Molecular consequence: missense variant.
Genome position (GRCh38, 1-based): chr8:95,269,116, C>A on the plus strand (G>T on the coding strand, the complement: CFAP418 is on the minus strand). VCF-style: chr8-95269116-C-A. GRCh37 (hg19) VCF-style: chr8-96281344-C-A.
Other names: c.74G>T, p.Gly25Val (NM_001363260.1); short protein forms G25V.
Identifiers: ClinVar variation 4987260 (VCV004987260.1).